The following is an entry in ClinVar:

NM_001270.4(CHD1):c.1853G>A (p.Arg618Gln)

Gene: CHD1 (chromodomain helicase DNA binding protein 1; minus strand). Cytogenetic location: 5q15.
Variant type: single nucleotide variant.
Coding change: c.1853G>A on transcript NM_001270.4 (MANE Select); coding-DNA position 1853, G replaced by A.
Protein change: p.Arg618Gln; replaces arginine 618 with glutamine.
Molecular consequence: missense variant. On other transcripts: non-coding transcript variant (2).
Genome position (GRCh38, 1-based): chr5:98,893,554, C>T on the plus strand (G>A on the coding strand, the complement: CHD1 is on the minus strand). VCF-style: chr5-98893554-C-T. GRCh37 (hg19) VCF-style: chr5-98229258-C-T.
Other names: c.1853G>A, p.Arg618Gln (NM_001364113.3, NM_001376194.2); short protein forms R618Q.
Identifiers: ClinVar variation 438819 (VCV000438819.4), dbSNP rs1554078349, ClinGen allele CA360517211.

ClinVar aggregate classification (germline): Pathogenic (0 of 4 stars; one submission).

Conditions:
Pilarowski-Bjornsson syndrome. Also called: DEVELOPMENTAL DELAY AND SPEECH APRAXIA WITH OR WITHOUT SEIZURES. Identifiers: Orphanet 529965, MedGen C4540131, MONDO:0060568, OMIM 617682.

Submission:

OMIM
Classification: Pathogenic for PILAROWSKI-BJORNSSON SYNDROME. Last evaluated: 2019-06-24. Review status: no assertion criteria provided. Collection method: literature only. Allele origin: germline.

Literature cited by the submitters: PubMed 28866611 (cited by OMIM).